The following is an entry in ClinVar:

ClinVar aggregate classification (germline): Uncertain significance. Review status: criteria provided, multiple submitters, no conflicts (2 of 4 stars). 3 submissions from 3 submitters: Uncertain significance (3). Last evaluated 2025-02-21.

Conditions:
Hereditary cancer-predisposing syndrome. Also called: Tumor predisposition; Neoplastic Syndromes, Hereditary; Hereditary Cancer Syndrome; Hereditary neoplastic syndrome. Identifiers: Orphanet 140162, MedGen C0027672, MeSH D009386, MONDO:0015356.
Isolated focal cortical dysplasia type II (FCORD2). Also called: CORTICAL DYSPLASIA OF TAYLOR; Focal cortical dysplasia type II. Identifiers: Orphanet 268994, MedGen C1846385, MONDO:0011818, OMIM 607341, HP:0032051.
Tuberous sclerosis 2 (TSC2). Identifiers: Orphanet 805, MedGen C1860707, MONDO:0013199, OMIM 613254.

Submissions (3):

Labcorp Genetics (formerly Invitae), Labcorp
Classification: Uncertain significance for Tuberous sclerosis 2. Last evaluated: 2025-02-21. Review status: criteria provided, single submitter. Criteria: Invitae Variant Classification Sherloc (09022015). Collection method: clinical testing. Allele origin: germline.
Comment: This sequence change replaces histidine, which is basic and polar, with leucine, which is neutral and non-polar, at codon 763 of the TSC2 protein (p.His763Leu). This variant is not present in population databases (gnomAD no frequency). This variant has not been reported in the literature in individuals affected with TSC2-related conditions. ClinVar contains an entry for this variant (Variation ID: 1789039). Invitae Evidence Modeling of protein sequence and biophysical properties (such as structural, functional, and spatial information, amino acid conservation, physicochemical variation, residue mobility, and thermodynamic stability) indicates that this missense variant is not expected to disrupt TSC2 protein function with a negative predictive value of 95%. In summary, the available evidence is currently insufficient to determine the role of this variant in disease. Therefore, it has been classified as a Variant of Uncertain Significance.

Ambry Genetics
Classification: Uncertain significance for Hereditary cancer-predisposing syndrome. Last evaluated: 2024-08-16. Review status: criteria provided, single submitter. Criteria: Ambry Variant Classification Scheme 2023. Collection method: clinical testing. Allele origin: germline.
Comment: The p.H763L variant (also known as c.2288A>T), located in coding exon 20 of the TSC2 gene, results from an A to T substitution at nucleotide position 2288. The histidine at codon 763 is replaced by leucine, an amino acid with similar properties. This amino acid position is not well conserved in available vertebrate species. In addition, this alteration is predicted to be deleterious by in silico analysis. Based on the available evidence, the clinical significance of this variant remains unclear.

Baylor Genetics
Classification: Uncertain significance for Isolated focal cortical dysplasia type II. Last evaluated: 2023-07-11. Review status: criteria provided, single submitter. Criteria: ACMG Guidelines, 2015. Collection method: clinical testing. Allele origin: unknown.

NM_000548.5(TSC2):c.2288A>T (p.His763Leu)

Gene: TSC2 (TSC complex subunit 2; plus strand). Cytogenetic location: 16p13.3.
Variant type: single nucleotide variant.
Coding change: c.2288A>T on transcript NM_000548.5 (MANE Select); coding-DNA position 2288, A replaced by T.
Protein change: p.His763Leu; replaces histidine 763 with leucine.
Molecular consequence: missense variant.
Genome position (GRCh38, 1-based): chr16:2,072,916, A>T. VCF-style: chr16-2072916-A-T. GRCh37 (hg19) VCF-style: chr16-2122917-A-T.
Other names: c.2288A>T, p.His763Leu (NM_001077183.3, NM_001114382.3, NM_001363528.2 and 6 more transcripts); c.2177A>T, p.His726Leu (NM_001318827.2, NM_001406678.1, NM_001406670.1); c.2141A>T, p.His714Leu (NM_001318829.2, NM_001406675.1, NM_001406676.1 and 1 more transcripts); c.1688A>T, p.His563Leu (NM_001318831.2, NM_001406680.1, NM_001406682.1 and 6 more transcripts); c.2321A>T, p.His774Leu (NM_001318832.2); c.2231A>T, p.His744Leu (NM_001406677.1); c.1826A>T, p.His609Leu (NM_001406681.1); c.944A>T, p.His315Leu (NM_001406694.1, NM_001406695.1, NM_001406696.1 and 6 more transcripts); and 3 more; short protein forms H315L, H563L, H744L, H759L, H763L, H726L, H714L, H774L.
Identifiers: ClinVar variation 1789039 (VCV001789039.6), dbSNP rs1464357699, ClinGen allele CA394276588.
Genomic context (GRCh38, chr16:2,072,916, plus strand): 5'-GCCCAAAGACACTGGAGCGGCTCCGAGGCGCCCCAGAAGGCTTCTCCAGAACTGACTTGC[A>T]CCTGGCCGTGGTTCCAGTGCTGACAGCATTAATCTCTTACCATAACTACCTGGACAAAAC-3'
Protein context (NP_000539.2, residues 753-773): APEGFSRTDL[His763Leu]LAVVPVLTAL